The following is an entry in ClinVar:

ClinVar aggregate classification (germline): Uncertain significance (1 of 4 stars; one submission).

Conditions:
Neuroblastoma, susceptibility to, 3. Also called: ALK-Related Neuroblastic Tumor Susceptibility. Identifiers: Orphanet 635, MedGen C2751681, MONDO:0013083, OMIM 613014.

Submission:

Labcorp Genetics (formerly Invitae), Labcorp
Classification: Uncertain significance for Neuroblastoma, susceptibility to, 3. Last evaluated: 2020-04-19. Review status: criteria provided, single submitter. Criteria: Invitae Variant Classification Sherloc (09022015). Collection method: clinical testing. Allele origin: germline.
Comment: This sequence change creates a premature translational stop signal (p.Ser930*) in the ALK gene. It is expected to result in an absent or disrupted protein product. This variant is not present in population databases (ExAC no frequency). This variant has not been reported in the literature in individuals with ALK-related conditions. ClinVar contains an entry for this variant (Variation ID: 852594). The current clinical and genetic evidence is not sufficient to establish whether loss-of-function variants in ALK cause disease. In summary, the available evidence is currently insufficient to determine the role of this variant in disease. Therefore, it has been classified as a Variant of Uncertain Significance.

NM_004304.5(ALK):c.2789C>G (p.Ser930Ter)

Gene: ALK (ALK receptor tyrosine kinase; minus strand). Cytogenetic location: 2p23.2.
Variant type: single nucleotide variant.
Coding change: c.2789C>G on transcript NM_004304.5 (MANE Select); coding-DNA position 2789, C replaced by G.
Protein change: p.Ser930Ter; replaces serine 930 with a stop codon.
Molecular consequence: nonsense.
Genome position (GRCh38, 1-based): chr2:29,228,910, G>C on the plus strand (C>G on the coding strand, the complement: ALK is on the minus strand). VCF-style: chr2-29228910-G-C. GRCh37 (hg19) VCF-style: chr2-29451776-G-C.
Other names: short protein forms S930*.
Identifiers: ClinVar variation 852594 (VCV000852594.7), dbSNP rs767777102, ClinGen allele CA346469521.